The following is an entry in ClinVar:

ClinVar aggregate classification (germline): Uncertain significance. Review status: criteria provided, multiple submitters, no conflicts (2 of 4 stars). 2 submissions from 2 submitters: Uncertain significance (2). Last evaluated 2025-07-28.

Submissions (2):

Labcorp Genetics (formerly Invitae), Labcorp
Classification: Uncertain significance. Last evaluated: 2025-07-28. Review status: criteria provided, single submitter. Criteria: Invitae Variant Classification Sherloc (09022015). Collection method: clinical testing. Allele origin: germline.
Comment: This sequence change replaces leucine, which is neutral and non-polar, with glutamine, which is neutral and polar, at codon 15 of the ZNF408 protein (p.Leu15Gln). This variant is not present in population databases (gnomAD no frequency). This variant has not been reported in the literature in individuals affected with ZNF408-related conditions. ClinVar contains an entry for this variant (Variation ID: 957306). Experimental studies and prediction algorithms are not available or were not evaluated, and the functional significance of this variant is currently unknown. In summary, the available evidence is currently insufficient to determine the role of this variant in disease. Therefore, it has been classified as a Variant of Uncertain Significance.

Blueprint Genetics
Classification: Uncertain significance. Last evaluated: 2019-09-10. Review status: criteria provided, single submitter. Criteria: ACMG Guidelines, 2015. Collection method: clinical testing. Allele origin: germline.

NM_024741.3(ZNF408):c.44T>A (p.Leu15Gln)

Genes: ZNF408 (zinc finger protein 408; plus strand), LOC130005659 (ATAC-STARR-seq lymphoblastoid active region 4684; plus strand). Cytogenetic location: 11p11.2.
Variant type: single nucleotide variant.
Coding change: c.44T>A on transcript NM_024741.3 (MANE Select); coding-DNA position 44, T replaced by A.
Protein change: p.Leu15Gln; replaces leucine 15 with glutamine.
Molecular consequence: missense variant. On other transcripts: 5 prime UTR variant (1).
Genome position (GRCh38, 1-based): chr11:46,701,091, T>A. VCF-style: chr11-46701091-T-A. GRCh37 (hg19) VCF-style: chr11-46722641-T-A.
Other names: c.-23T>A (NM_001184751.2); short protein forms L15Q.
Identifiers: ClinVar variation 957306 (VCV000957306.11), dbSNP rs2064700135, ClinGen allele CA380251395.
Genomic context (GRCh38, chr11:46,701,091, plus strand): 5'-AGGCTTTCTGACCCGGAATGGAGGAGGCGGAGGAGCTGCTCTTGGAGGGGAAGAAGGCGC[T>A]GCAACTCGGTGAGTGACCTGCGATGTCCGCGACCCTCAACCTTGGCCCAGGTGGATCTGA-3'
Protein context (NP_079017.1, residues 5-25): EELLLEGKKA[Leu15Gln]QLAREPRLGL